The following is an entry in ClinVar:

NM_024537.4(CARS2):c.874G>A (p.Val292Ile)

Gene: CARS2 (cysteinyl-tRNA synthetase 2, mitochondrial; minus strand). Cytogenetic location: 13q34.
Variant type: single nucleotide variant.
Coding change: c.874G>A on transcript NM_024537.4 (MANE Select); coding-DNA position 874, G replaced by A.
Protein change: p.Val292Ile; replaces valine 292 with isoleucine.
Molecular consequence: missense variant. On other transcripts: non-coding transcript variant (2).
Genome position (GRCh38, 1-based): chr13:110,667,385, C>T on the plus strand (G>A on the coding strand, the complement: CARS2 is on the minus strand). VCF-style: chr13-110667385-C-T. GRCh37 (hg19) VCF-style: chr13-111319732-C-T.
Other names: c.88G>A, p.Val30Ile (NM_001352252.2); c.874G>A, p.Val292Ile (NM_001352253.3); c.874G>A (NM_024537.2); short protein forms V292I, V30I.
Identifiers: ClinVar variation 1010929 (VCV001010929.9), dbSNP rs1213190525, ClinGen allele CA388750437.

ClinVar aggregate classification (germline): Uncertain significance. Review status: criteria provided, multiple submitters, no conflicts (2 of 4 stars). 2 submissions from 2 submitters: Uncertain significance (2). Last evaluated 2026-01-28.

Conditions:
Combined oxidative phosphorylation defect type 27. Also called: Combined oxidative phosphorylation deficiency 27. Identifiers: Orphanet 477774, MedGen C5567608, MONDO:0014728, OMIM 616672.

Allele frequency attached by ClinVar (database versions not stated): TOPMed below 0.00001.

Submissions (2):

GeneDx
Classification: Uncertain significance. Last evaluated: 2026-01-28. Review status: criteria provided, single submitter. Criteria: GeneDx Variant Classification Process June 2021. Collection method: clinical testing. Allele origin: germline.
Comment: Not observed at significant frequency in large population cohorts (gnomAD); In silico analysis suggests that this missense variant does not alter protein structure/function; Has not been previously published as pathogenic or benign to our knowledge

Labcorp Genetics (formerly Invitae), Labcorp
Classification: Uncertain significance for Combined oxidative phosphorylation defect type 27. Last evaluated: 2022-10-17. Review status: criteria provided, single submitter. Criteria: Invitae Variant Classification Sherloc (09022015). Collection method: clinical testing. Allele origin: germline.
Comment: ClinVar contains an entry for this variant (Variation ID: 1010929). This variant has not been reported in the literature in individuals affected with CARS2-related conditions. This variant is not present in population databases (gnomAD no frequency). This sequence change replaces valine, which is neutral and non-polar, with isoleucine, which is neutral and non-polar, at codon 292 of the CARS2 protein (p.Val292Ile). In summary, the available evidence is currently insufficient to determine the role of this variant in disease. Therefore, it has been classified as a Variant of Uncertain Significance. Advanced modeling of protein sequence and biophysical properties (such as structural, functional, and spatial information, amino acid conservation, physicochemical variation, residue mobility, and thermodynamic stability) performed at Invitae indicates that this missense variant is not expected to disrupt CARS2 protein function.